The following is an entry in ClinVar:

ClinVar aggregate classification (germline): Uncertain significance. Review status: criteria provided, multiple submitters, no conflicts (2 of 4 stars). 4 submissions from 4 submitters: Uncertain significance (4). Last evaluated 2026-09-03.

Conditions:
Cardiovascular phenotype. Identifiers: MedGen CN230736.
APOA5-related disorder. Also called: APOA5-related condition.

Allele frequency attached by ClinVar (database versions not stated): gnomAD exomes 0.00004 and 0.00002; TOPMed 0.00002; gnomAD 0.00001; ExAC 0.00002.

Submissions (4):

Ambry Genetics
Classification: Uncertain significance for Cardiovascular phenotype. Last evaluated: 2026-09-03. Review status: criteria provided, single submitter. Criteria: Ambry Variant Classification Scheme 2023. Collection method: clinical testing. Allele origin: germline.
Comment: The p.I296R variant (also known as c.887T>G), located in coding exon 3 of the APOA5 gene, results from a T to G substitution at nucleotide position 887. The isoleucine at codon 296 is replaced by arginine, an amino acid with similar properties. This variant was reported in association with hypertriglyceridemia (Marmontel O et al. Clin Genet, 2018 Jul;94:132-140; Deshotels MR et al. Arterioscler Thromb Vasc Biol, 2022 Dec;42:1461-1467). This amino acid position is highly conserved in available vertebrate species. In addition, this alteration is predicted to be deleterious by in silico analysis. Based on the available evidence, the clinical significance of this variant remains unclear.

PreventionGenetics, part of Exact Sciences
Classification: Uncertain significance for APOA5-related condition. Last evaluated: 2025-12-03. Review status: criteria provided, single submitter. Criteria: ACMG Guidelines, 2015. Collection method: clinical testing. Allele origin: germline.
Comment: The APOA5 c.887T>G variant is predicted to result in the amino acid substitution p.Ile296Arg. This variant has been reported with a pathogenic LPL variant in an individual with hypertriglyceridemia (Marmontel et al. 2018. PubMed ID: 29572815). This variant has also been reported in cohort studies of dyslipidemias (Table S4, Dron et al. 2020. PubMed ID: 32041611; Table S2, Deshotels et al. 2022. PubMed ID: 36325899). This variant is reported in 0.025% of alleles in individuals of Latino descent in gnomAD. At this time, the clinical significance of this variant is uncertain due to the absence of conclusive functional and genetic evidence.

Labcorp Genetics (formerly Invitae), Labcorp
Classification: Uncertain significance. Last evaluated: 2024-11-30. Review status: criteria provided, single submitter. Criteria: Invitae Variant Classification Sherloc (09022015). Collection method: clinical testing. Allele origin: germline.
Comment: This sequence change replaces isoleucine, which is neutral and non-polar, with arginine, which is basic and polar, at codon 296 of the APOA5 protein (p.Ile296Arg). This variant is present in population databases (rs761343549, gnomAD 0.02%). This missense change has been observed in individual(s) with APOA5-related conditions (PMID: 29572815, 32041611, 36325899). ClinVar contains an entry for this variant (Variation ID: 1196373). An algorithm developed to predict the effect of missense changes on protein structure and function (PolyPhen-2) suggests that this variant is likely to be disruptive. In summary, the available evidence is currently insufficient to determine the role of this variant in disease. Therefore, it has been classified as a Variant of Uncertain Significance.

GeneDx
Classification: Uncertain significance. Last evaluated: 2021-02-04. Review status: criteria provided, single submitter. Criteria: GeneDx Variant Classification Process June 2021. Collection method: clinical testing. Allele origin: germline. Affected: yes.
Comment: Identified in a patient with hypertriglyceridemia who also harbored a pathogenic variant in the LPL gene (Marmontel et al., 2018); In silico analysis supports that this missense variant does not alter protein structure/function; This variant is associated with the following publications: (PMID: 29572815, 32041611)

Literature cited by the submitters: PubMed 29572815 (cited by Ambry Genetics and Labcorp Genetics (formerly Invitae), Labcorp); PubMed 36325899 (cited by Ambry Genetics and Labcorp Genetics (formerly Invitae), Labcorp); PubMed 32041611 (cited by Labcorp Genetics (formerly Invitae), Labcorp).

NM_001371904.1(APOA5):c.887T>G (p.Ile296Arg)

Gene: APOA5 (apolipoprotein A5; minus strand). Cytogenetic location: 11q23.3.
Variant type: single nucleotide variant.
Coding change: c.887T>G on transcript NM_001371904.1 (MANE Select); coding-DNA position 887, T replaced by G.
Protein change: p.Ile296Arg; replaces isoleucine 296 with arginine.
Molecular consequence: missense variant.
Genome position (GRCh38, 1-based): chr11:116,790,342, A>C on the plus strand (T>G on the coding strand, the complement: APOA5 is on the minus strand). VCF-style: chr11-116790342-A-C. GRCh37 (hg19) VCF-style: chr11-116661058-A-C.
Other names: c.887T>G, p.Ile296Arg (NM_001166598.2, NM_052968.5); short protein forms I296R.
Identifiers: ClinVar variation 1196373 (VCV001196373.6), dbSNP rs761343549, ClinGen allele CA6288966.